The following is an entry in ClinVar:

NM_000388.4(CASR):c.3050A>C (p.Gln1017Pro)

Gene: CASR (calcium sensing receptor; plus strand). Cytogenetic location: 3q21.1.
Variant type: single nucleotide variant.
Coding change: c.3050A>C on transcript NM_000388.4 (MANE Select); coding-DNA position 3050, A replaced by C.
Protein change: p.Gln1017Pro; replaces glutamine 1017 with proline.
Molecular consequence: missense variant.
Genome position (GRCh38, 1-based): chr3:122,285,004, A>C. VCF-style: chr3-122285004-A-C. GRCh37 (hg19) VCF-style: chr3-122003851-A-C.
Other names: c.3080A>C, p.Gln1027Pro (NM_001178065.2); short protein forms Q1027P, Q1017P.
Identifiers: ClinVar variation 1401178 (VCV001401178.8), dbSNP rs779116209, ClinGen allele CA354161331.

ClinVar aggregate classification (germline): Uncertain significance (1 of 4 stars; one submission).

Conditions:
Familial hypocalciuric hypercalcemia (FHH). Also called: Familial benign hypercalcemia. Identifiers: Orphanet 405, MedGen C1809471, MONDO:0018458.
Autosomal dominant hypocalcemia 1 (HYPOC1). Also called: HYPOCALCEMIA, FAMILIAL. Identifiers: MedGen C3715128, MONDO:0011013, OMIM 601198.

gnomAD v4.1: 3 of 1,614,214 alleles (0.00019%); highest among the groups gnomAD compares: Non-Finnish European, 0.00025%; no homozygotes.

Submission:

Labcorp Genetics (formerly Invitae), Labcorp
Classification: Uncertain significance for Familial hypocalciuric hypercalcemia; Autosomal dominant hypocalcemia 1. Last evaluated: 2023-10-04. Review status: criteria provided, single submitter. Criteria: Invitae Variant Classification Sherloc (09022015). Collection method: clinical testing. Allele origin: germline.
Comment: This sequence change replaces glutamine, which is neutral and polar, with proline, which is neutral and non-polar, at codon 1017 of the CASR protein (p.Gln1017Pro). This variant is not present in population databases (gnomAD no frequency). This variant has not been reported in the literature in individuals affected with CASR-related conditions. ClinVar contains an entry for this variant (Variation ID: 1401178). An algorithm developed to predict the effect of missense changes on protein structure and function (PolyPhen-2) suggests that this variant is likely to be tolerated. In summary, the available evidence is currently insufficient to determine the role of this variant in disease. Therefore, it has been classified as a Variant of Uncertain Significance.